The following is an entry in ClinVar:

ClinVar aggregate classification (germline): Pathogenic (1 of 4 stars; one submission).

Conditions:
Primary ciliary dyskinesia 9. Also called: CILIARY DYSKINESIA, PRIMARY, 9, WITH OR WITHOUT SITUS INVERSUS. Identifiers: Orphanet 244, MedGen C2676235, MONDO:0012906, OMIM 612444.

Submission:

Myriad Genetics, Inc.
Classification: Pathogenic for Primary ciliary dyskinesia 9. Last evaluated: 2024-05-14. Review status: criteria provided, single submitter. Criteria: Myriad Autosomal Dominant, Autosomal Recessive and X-Linked Classification Criteria (2023). Collection method: clinical testing. Allele origin: unknown.
Comment: NM_023036.4(DNAI2):c.1180delG(D394Tfs*25) is expected to be pathogenic in the context of primary ciliary dyskinesia, DNAI2-related. This variant is predicted to lead to an abnormal or absent protein product due to the creation of a premature termination codon in DNAI2, a gene where loss-of-function variants are known to be pathogenic. Please note: this variant was assessed in the context of healthy population screening.

NM_023036.6(DNAI2):c.1180del (p.Asp394fs)

Gene: DNAI2 (dynein axonemal intermediate chain 2; plus strand). Cytogenetic location: 17q25.1.
Variant type: Deletion.
Coding change: c.1180del on transcript NM_023036.6 (MANE Select); coding-DNA position 1180, one base deleted (G; older notation c.1180delG).
Protein change: p.Asp394fs; shifts the reading frame from aspartic acid 394.
Molecular consequence: frameshift variant. On other transcripts: non-coding transcript variant (1).
Genome position (GRCh38, 1-based): chr17:74,305,411, G deleted. VCF-style (leftmost placement, unchanged base first): chr17-74305410-AG-A. GRCh37 (hg19) VCF-style: chr17-72301549-AG-A.
Other names: c.1180del, p.Asp394fs (NM_001172810.3, NM_001353167.2); short protein forms D394fs.
Identifiers: ClinVar variation 5014452 (VCV005014452.1).